The following is an entry in ClinVar:

ClinVar aggregate classification (germline): Likely pathogenic (1 of 4 stars; one submission).

Conditions:
Nemaline myopathy 2 (NEM2). Also called: Nemaline myopathy 2, autosomal recessive. Identifiers: MedGen C1850569, MONDO:0009725, OMIM 256030.

Submission:

Myriad Genetics, Inc.
Classification: Likely pathogenic for Nemaline myopathy 2. Last evaluated: 2022-04-02. Review status: criteria provided, single submitter. Criteria: Myriad Women's Health Autosomal Recessive and X-Linked Classification Criteria (2021). Collection method: clinical testing. Allele origin: unknown.
Comment: NM_001271208.1(NEB):c.2067T>A(Y689*) is expected to be pathogenic in the context of NEB-related nemaline myopathy. This variant is predicted to lead to an abnormal or absent protein product due to the creation of a premature termination codon in NEB, a gene where loss-of-function variants are known to be pathogenic. Please note: this variant was assessed in the context of healthy population screening.

NM_001164508.2(NEB):c.2067T>A (p.Tyr689Ter)

Gene: NEB (nebulin; minus strand). Cytogenetic location: 2q23.3.
Variant type: single nucleotide variant.
Coding change: c.2067T>A on transcript NM_001164508.2 (MANE Select); coding-DNA position 2067, T replaced by A.
Protein change: p.Tyr689Ter; replaces tyrosine 689 with a stop codon.
Molecular consequence: nonsense.
Genome position (GRCh38, 1-based): chr2:151,692,098, A>T on the plus strand (T>A on the coding strand, the complement: NEB is on the minus strand). VCF-style: chr2-151692098-A-T. GRCh37 (hg19) VCF-style: chr2-152548612-A-T.
Other names: c.2067T>A, p.Tyr689Ter (NM_001164507.2, NM_001271208.2, NM_004543.5); short protein forms Y689*.
Identifiers: ClinVar variation 1725826 (VCV001725826.2), dbSNP rs2552267824, ClinGen allele CA348823870.